The following is an entry in ClinVar:

ClinVar aggregate classification (germline): Likely benign. Review status: criteria provided, single submitter (1 of 4 stars). 2 submissions from 2 submitters: Likely benign (1). 1 of the submissions does not count toward it. Last evaluated 2022-02-08.

Conditions:
FAT1-related disorder. Also called: FAT1-related condition.

Allele frequency attached by ClinVar (database versions not stated): ExAC 0.00003; TOPMed 0.00007; gnomAD 0.00008.
gnomAD v4.1: 49 of 1,613,858 alleles (0.003%); highest among the groups gnomAD compares: African/African-American, 0.013%; no homozygotes.

Submissions (2):

Labcorp Genetics (formerly Invitae), Labcorp
Classification: Likely benign. Last evaluated: 2022-02-08. Review status: criteria provided, single submitter. Criteria: Invitae Variant Classification Sherloc (09022015). Collection method: clinical testing. Allele origin: germline.

PreventionGenetics, part of Exact Sciences
Classification: Likely benign for FAT1-related condition. Last evaluated: 2024-06-16. Review status: no assertion criteria provided. Collection method: clinical testing. Allele origin: germline. Not counted in ClinVar's aggregate classification.
Comment: This variant is classified as likely benign based on ACMG/AMP sequence variant interpretation guidelines (Richards et al. 2015 PMID: 25741868, with internal and published modifications).

NM_005245.4(FAT1):c.7551G>A (p.Thr2517=)

Gene: FAT1 (FAT atypical cadherin 1; minus strand). Cytogenetic location: 4q35.2.
Variant type: single nucleotide variant.
Coding change: c.7551G>A on transcript NM_005245.4 (MANE Select); coding-DNA position 7551, G replaced by A.
Protein change: p.Thr2517=; no amino-acid change (threonine 2517 retained).
Molecular consequence: synonymous variant.
Genome position (GRCh38, 1-based): chr4:186,619,035, C>T on the plus strand (G>A on the coding strand, the complement: FAT1 is on the minus strand). VCF-style: chr4-186619035-C-T. GRCh37 (hg19) VCF-style: chr4-187540189-C-T.
Other names: c.7551G>A (NM_005245.3).
Identifiers: ClinVar variation 2186880 (VCV002186880.6), dbSNP rs765275544, ClinGen allele CA3166040.
Genomic context (GRCh38, chr4:186,619,035, plus strand): 5'-TTTGGCAAAGTCATTTACAATATGGTAAGTAACGTGACCATAAATACCAGAATCCCCATC[C>T]GTAGTTTTCACCTCCATCACCAGGGTATGTAGGGGAGCGTTTTCAGCTAGTTCCACTTCA-3'
Protein context (NP_005236.2, residues 2507-2527): LHTLVMEVKT[Thr2517=]DGDSGIYGHV